The following is an entry in ClinVar:

ClinVar aggregate classification (germline): Benign. Review status: criteria provided, multiple submitters, no conflicts (2 of 4 stars). 3 submissions from 3 submitters: Benign (3). Last evaluated 2018-01-13.

Conditions:
Majeed syndrome (MJDS). Also called: CHRONIC RECURRENT MULTIFOCAL OSTEOMYELITIS 1, WITH CONGENITAL DYSERYTHROPOIETIC ANEMIA, WITH OR WITHOUT NEUTROPHILIC DERMATOSIS; LPIN2-Related Majeed Syndrome. Identifiers: Orphanet 77297, MedGen C1864997, MONDO:0012316, OMIM 609628.

Allele frequency attached by ClinVar (database versions not stated): 1000 Genomes Project 0.02935; 1000 Genomes Project 30x 0.03014; gnomAD 0.03285; TOPMed 0.03470.

Submissions (3):

Illumina Laboratory Services, Illumina
Classification: Benign for Majeed syndrome. Last evaluated: 2018-01-13. Review status: criteria provided, single submitter. Criteria: ICSL Variant Classification Criteria 13 December 2019. Collection method: clinical testing. Allele origin: germline.
Comment: This variant was observed in the ICSL laboratory as part of a predisposition screen in an ostensibly healthy population. It had not been previously curated by ICSL or reported in the Human Gene Mutation Database (HGMD: prior to June 1st, 2018), and was therefore a candidate for classification through an automated scoring system. Utilizing variant allele frequency, disease prevalence and penetrance estimates, and inheritance mode, an automated score was calculated to assess if this variant is too frequent to cause the disease. Based on the score and internal cut-off values, a variant classified as benign is not then subjected to further curation. The score for this variant resulted in a classification of benign for this disease.

GeneDx
Classification: Benign. Last evaluated: 2016-10-19. Review status: criteria provided, single submitter. Criteria: GeneDx Variant Classification (06012015). Collection method: clinical testing. Allele origin: germline. Affected: yes.
Comment: This variant is considered likely benign or benign based on one or more of the following criteria: it is a conservative change, it occurs at a poorly conserved position in the protein, it is predicted to be benign by multiple in silico algorithms, and/or has population frequency not consistent with disease.

Breakthrough Genomics
Classification: Benign. Review status: criteria provided, single submitter. Criteria: ACMG Guidelines, 2015. Collection method: not provided. Allele origin: germline. Inheritance: Unknown mechanism. Affected: yes.

NM_001375808.2(LPIN2):c.-10+1343C>G

Gene: LPIN2 (lipin 2; minus strand). Cytogenetic location: 18p11.31.
Variant type: single nucleotide variant.
Coding change: c.-10+1343C>G on transcript NM_001375808.2 (MANE Select); 1343 bases into the intron after 10 bases upstream of the start codon, C replaced by G.
Molecular consequence: intron variant. On other transcripts: 5 prime UTR variant (1).
Genome position (GRCh38, 1-based): chr18:3,011,744, G>C on the plus strand (C>G on the coding strand, the complement: LPIN2 is on the minus strand). VCF-style: chr18-3011744-G-C. GRCh37 (hg19) VCF-style: chr18-3011742-G-C.
Other names: c.-36C>G (NM_014646.2); c.-10+1293C>G (NM_001375809.1).
Identifiers: ClinVar variation 326652 (VCV000326652.6), dbSNP rs58940048, ClinGen allele CA10641285.